The following is an entry in ClinVar:

ClinVar aggregate classification (germline): Uncertain significance. Review status: criteria provided, multiple submitters, no conflicts (2 of 4 stars). 2 submissions from 2 submitters: Uncertain significance (2). Last evaluated 2025-02-25.

Conditions:
Inborn genetic diseases. Identifiers: MedGen C0950123, MeSH D030342.
Joubert syndrome 14 (JBTS14). Identifiers: MedGen C3280766, MONDO:0013745, OMIM 614424.

gnomAD v4.1: 21 of 1,602,822 alleles (0.0013%); highest among the groups gnomAD compares: Middle Eastern, 0.017%; no homozygotes.

Submissions (2):

Ambry Genetics
Classification: Uncertain significance for Inborn genetic diseases. Last evaluated: 2025-02-25. Review status: criteria provided, single submitter. Criteria: Ambry Variant Classification Scheme 2023. Collection method: clinical testing. Allele origin: germline.

Labcorp Genetics (formerly Invitae), Labcorp
Classification: Uncertain significance for Joubert syndrome 14. Last evaluated: 2023-05-22. Review status: criteria provided, single submitter. Criteria: Invitae Variant Classification Sherloc (09022015). Collection method: clinical testing. Allele origin: germline.
Comment: This sequence change replaces threonine, which is neutral and polar, with alanine, which is neutral and non-polar, at codon 69 of the TMEM237 protein (p.Thr69Ala). In summary, the available evidence is currently insufficient to determine the role of this variant in disease. Therefore, it has been classified as a Variant of Uncertain Significance. Advanced modeling of protein sequence and biophysical properties (such as structural, functional, and spatial information, amino acid conservation, physicochemical variation, residue mobility, and thermodynamic stability) performed at Invitae indicates that this missense variant is not expected to disrupt TMEM237 protein function. ClinVar contains an entry for this variant (Variation ID: 2043081). This variant has not been reported in the literature in individuals affected with TMEM237-related conditions. This variant is present in population databases (rs376226585, gnomAD 0.006%).

NM_001044385.3(TMEM237):c.205A>G (p.Thr69Ala)

Gene: TMEM237 (transmembrane protein 237; minus strand). Cytogenetic location: 2q33.1.
Variant type: single nucleotide variant.
Coding change: c.205A>G on transcript NM_001044385.3 (MANE Select); coding-DNA position 205, A replaced by G.
Protein change: p.Thr69Ala; replaces threonine 69 with alanine.
Molecular consequence: missense variant.
Genome position (GRCh38, 1-based): chr2:201,636,817, T>C on the plus strand (A>G on the coding strand, the complement: TMEM237 is on the minus strand). VCF-style: chr2-201636817-T-C. GRCh37 (hg19) VCF-style: chr2-202501540-T-C.
Other names: c.181A>G, p.Thr61Ala (NM_152388.4); c.205A>G (NM_001044385.1); short protein forms T61A, T69A.
Identifiers: ClinVar variation 2043081 (VCV002043081.5), dbSNP rs376226585, ClinGen allele CA2056551.